The following is an entry in ClinVar:

NM_203447.4(DOCK8):c.578C>G (p.Pro193Arg)

Gene: DOCK8 (dedicator of cytokinesis 8; plus strand). Cytogenetic location: 9p24.3.
Variant type: single nucleotide variant.
Coding change: c.578C>G on transcript NM_203447.4 (MANE Select); coding-DNA position 578, C replaced by G.
Protein change: p.Pro193Arg; replaces proline 193 with arginine.
Molecular consequence: missense variant.
Genome position (GRCh38, 1-based): chr9:312,003, C>G. VCF-style: chr9-312003-C-G. GRCh37 (hg19) VCF-style: chr9-312003-C-G.
Other names: c.374C>G, p.Pro125Arg (NM_001190458.2, NM_001193536.2); short protein forms P125R, P193R.
Identifiers: ClinVar variation 914488 (VCV000914488.9), dbSNP rs971992611, ClinGen allele CA187804854.

ClinVar aggregate classification (germline): Uncertain significance. Review status: criteria provided, multiple submitters, no conflicts (2 of 4 stars). 3 submissions from 3 submitters: Uncertain significance (3). Last evaluated 2025-08-11.

Conditions:
Inborn genetic diseases. Identifiers: MedGen C0950123, MeSH D030342.
Combined immunodeficiency due to DOCK8 deficiency (HIES2). Also called: HIES autosomal recessive; Hyper-IgE recurrent infection syndrome, autosomal recessive; HYPER-IgE SYNDROME 2, AUTOSOMAL RECESSIVE, WITH RECURRENT INFECTIONS; DOCK8 Deficiency; HYPER-IgE RECURRENT INFECTION SYNDROME 2, AUTOSOMAL RECESSIVE. Identifiers: Orphanet 217390, MedGen C4722305, MONDO:0009478, OMIM 243700.

Allele frequency attached by ClinVar (database versions not stated): TOPMed 0.00001; gnomAD 0.00002; gnomAD exomes 0.00002 and 0.00005.
gnomAD v4.1: 69 of 1,614,070 alleles (0.0043%); highest among the groups gnomAD compares: Non-Finnish European, 0.0056%; no homozygotes.

Submissions (3):

Ambry Genetics
Classification: Uncertain significance for Inborn genetic diseases. Last evaluated: 2025-08-11. Review status: criteria provided, single submitter. Criteria: Ambry Variant Classification Scheme 2023. Collection method: clinical testing. Allele origin: germline.

Labcorp Genetics (formerly Invitae), Labcorp
Classification: Uncertain significance for Combined immunodeficiency due to DOCK8 deficiency. Last evaluated: 2021-08-31. Review status: criteria provided, single submitter. Criteria: Invitae Variant Classification Sherloc (09022015). Collection method: clinical testing. Allele origin: germline.
Comment: This sequence change replaces proline with arginine at codon 193 of the DOCK8 protein (p.Pro193Arg). The proline residue is moderately conserved and there is a moderate physicochemical difference between proline and arginine. This variant is not present in population databases (ExAC no frequency). This variant has not been reported in the literature in individuals affected with DOCK8-related conditions. ClinVar contains an entry for this variant (Variation ID: 914488). Algorithms developed to predict the effect of missense changes on protein structure and function are either unavailable or do not agree on the potential impact of this missense change (SIFT: "Deleterious"; PolyPhen-2: "Benign"; Align-GVGD: "Class C0"). In summary, the available evidence is currently insufficient to determine the role of this variant in disease. Therefore, it has been classified as a Variant of Uncertain Significance.

Illumina Laboratory Services, Illumina
Classification: Uncertain significance for Combined immunodeficiency due to DOCK8 deficiency. Last evaluated: 2018-01-12. Review status: criteria provided, single submitter. Criteria: ICSL Variant Classification Criteria 13 December 2019. Collection method: clinical testing. Allele origin: germline.